The following is an entry in ClinVar:

ClinVar aggregate classification (germline): Uncertain significance (1 of 4 stars; one submission).

Conditions:
Hereditary cancer-predisposing syndrome. Also called: Neoplastic Syndromes, Hereditary; Tumor predisposition; Hereditary neoplastic syndrome; Hereditary Cancer Syndrome. Identifiers: Orphanet 140162, MedGen C0027672, MeSH D009386, MONDO:0015356.

Submission:

Ambry Genetics
Classification: Uncertain significance for Hereditary cancer-predisposing syndrome. Last evaluated: 2026-06-21. Review status: criteria provided, single submitter. Criteria: Ambry Variant Classification Scheme 2023. Collection method: clinical testing. Allele origin: germline.
Comment: The p.P486T variant (also known as c.1456C>A), located in coding exon 14 of the NF2 gene, results from a C to A substitution at nucleotide position 1456. The proline at codon 486 is replaced by threonine, an amino acid with highly similar properties. This amino acid position is conserved. In addition, this alteration is predicted to be tolerated by in silico analysis. Based on the available evidence, the clinical significance of this variant remains unclear.

NM_000268.4(NF2):c.1456C>A (p.Pro486Thr)

Gene: NF2 (NF2, moesin-ezrin-radixin like (MERLIN) tumor suppressor; plus strand). Cytogenetic location: 22q12.2.
Variant type: single nucleotide variant.
Coding change: c.1456C>A on transcript NM_000268.4 (MANE Select); coding-DNA position 1456, C replaced by A.
Protein change: p.Pro486Thr; replaces proline 486 with threonine.
Molecular consequence: missense variant. On other transcripts: non-coding transcript variant (1), intron variant (1).
Genome position (GRCh38, 1-based): chr22:29,678,205, C>A. VCF-style: chr22-29678205-C-A. GRCh37 (hg19) VCF-style: chr22-30074194-C-A.
Other names: c.1342C>A, p.Pro448Thr (NM_001407053.1, NM_001407056.1); c.1333C>A, p.Pro445Thr (NM_001407054.1, NM_001407058.1, NM_181829.3); c.1330C>A, p.Pro444Thr (NM_001407055.1, NM_181828.3); c.1321C>A, p.Pro441Thr (NM_001407057.1, NM_001407059.1); c.1456C>A, p.Pro486Thr (NM_001407060.1, NM_001407066.1, NM_016418.5 and 2 more transcripts); c.1198C>A, p.Pro400Thr (NM_001407062.1); c.1207C>A, p.Pro403Thr (NM_001407063.1, NM_001407064.1, NM_181830.3 and 1 more transcripts); c.922C>A, p.Pro308Thr (NM_001407065.1); and 2 more; short protein forms P441T, P444T, P400T, P445T, P308T, P409T, P448T, P403T.
Identifiers: ClinVar variation 5025683 (VCV005025683.1).